The following is an entry in ClinVar:

NM_002519.3(NPAT):c.3542_3556dup (p.Lys1185_Leu1186insProGluAsnSerLys)

Gene: NPAT (nuclear protein, coactivator of histone transcription; minus strand). Cytogenetic location: 11q22.3.
Variant type: Duplication.
Coding change: c.3542_3556dup on transcript NM_002519.3 (MANE Select); coding-DNA positions 3542 to 3556, 15 bases duplicated (CAGAAAATTCAAAAC).
Protein change: p.Lys1185_Leu1186insProGluAsnSerLys.
Molecular consequence: inframe insertion.
Genome position (GRCh38, 1-based): chr11:108,161,530-108,161,544, GTTTTGAATTTTCTG duplicated on the plus strand (CAGAAAATTCAAAAC on the coding strand, the reverse complement: NPAT is on the minus strand); duplicating any 15 consecutive bases within chr11:108,161,530-108,161,545 gives the same sequence; the c. name uses the placement nearest the transcript's 3' end. VCF-style (leftmost placement, unchanged base first): chr11-108161529-A-AGTTTTGAATTTTCTG. GRCh37 (hg19) VCF-style: chr11-108032256-A-AGTTTTGAATTTTCTG.
Other names: c.3563_3577dup, p.Lys1192_Leu1193insProGluAsnSerLys (NM_001321307.1).
Identifiers: ClinVar variation 2708590 (VCV002708590.3), dbSNP rs2496695553, ClinGen allele CA2697548970.

ClinVar aggregate classification (germline): Uncertain significance (1 of 4 stars; one submission).

Submission:

Labcorp Genetics (formerly Invitae), Labcorp
Classification: Uncertain significance. Last evaluated: 2024-01-10. Review status: criteria provided, single submitter. Criteria: Invitae Variant Classification Sherloc (09022015). Collection method: clinical testing. Allele origin: germline.
Comment: This variant, c.3542_3556dup, results in the insertion of 5 amino acid(s) of the NPAT protein (p.Pro1181_Lys1185dup), but otherwise preserves the integrity of the reading frame. This variant is not present in population databases (gnomAD no frequency). This variant has not been reported in the literature in individuals affected with NPAT-related conditions. Experimental studies and prediction algorithms are not available or were not evaluated, and the functional significance of this variant is currently unknown. In summary, the available evidence is currently insufficient to determine the role of this variant in disease. Therefore, it has been classified as a Variant of Uncertain Significance.